The following is an entry in ClinVar:

NM_024700.4(SNIP1):c.1178T>C (p.Val393Ala)

Gene: SNIP1 (Smad nuclear interacting protein 1; minus strand). Cytogenetic location: 1p34.3.
Variant type: single nucleotide variant.
Coding change: c.1178T>C on transcript NM_024700.4 (MANE Select); coding-DNA position 1178, T replaced by C.
Protein change: p.Val393Ala; replaces valine 393 with alanine.
Molecular consequence: missense variant.
Genome position (GRCh38, 1-based): chr1:37,537,761, A>G on the plus strand (T>C on the coding strand, the complement: SNIP1 is on the minus strand). VCF-style: chr1-37537761-A-G. GRCh37 (hg19) VCF-style: chr1-38003362-A-G.
Other names: short protein forms V393A.
Identifiers: ClinVar variation 2727393 (VCV002727393.2), dbSNP rs957964912, ClinGen allele CA20807524.

ClinVar aggregate classification (germline): Uncertain significance (1 of 4 stars; one submission).

Allele frequency attached by ClinVar (database versions not stated): gnomAD 0.00005; TOPMed 0.00008.
gnomAD v4.1: 11 of 1,613,022 alleles (0.00068%); highest among the groups gnomAD compares: Admixed American, 0.015%; no homozygotes.

Submission:

Labcorp Genetics (formerly Invitae), Labcorp
Classification: Uncertain significance. Last evaluated: 2024-11-07. Review status: criteria provided, single submitter. Criteria: Invitae Variant Classification Sherloc (09022015). Collection method: clinical testing. Allele origin: germline.
Comment: This sequence change replaces valine, which is neutral and non-polar, with alanine, which is neutral and non-polar, at codon 393 of the SNIP1 protein (p.Val393Ala). This variant is present in population databases (no rsID available, gnomAD 0.003%). This variant has not been reported in the literature in individuals affected with SNIP1-related conditions. ClinVar contains an entry for this variant (Variation ID: 2727393). An algorithm developed to predict the effect of missense changes on protein structure and function (PolyPhen-2) suggests that this variant¬¨‚Ä†is likely to be tolerated. In summary, the available evidence is currently insufficient to determine the role of this variant in disease. Therefore, it has been classified as a Variant of Uncertain Significance.